The following is an entry in ClinVar:

NM_000398.7(CYB5R3):c.819G>A (p.Met273Ile)

Gene: CYB5R3 (cytochrome b5 reductase 3; minus strand). Cytogenetic location: 22q13.2.
Variant type: single nucleotide variant.
Coding change: c.819G>A on transcript NM_000398.7 (MANE Select); coding-DNA position 819, G replaced by A.
Protein change: p.Met273Ile; replaces methionine 273 with isoleucine.
Molecular consequence: missense variant.
Genome position (GRCh38, 1-based): chr22:42,619,860, C>T on the plus strand (G>A on the coding strand, the complement: CYB5R3 is on the minus strand). VCF-style: chr22-42619860-C-T. GRCh37 (hg19) VCF-style: chr22-43015866-C-T.
Other names: p.Met273Ile; c.750G>A, p.Met250Ile (NM_001129819.2, NM_001171661.1, NM_007326.4); c.918G>A, p.Met306Ile (NM_001171660.2); short protein forms M250I, M273I, M306I.
Identifiers: ClinVar variation 3380726 (VCV003380726.1).
Genomic context (GRCh38, chr22:42,619,860, plus strand): 5'-GTGGCCCACGTGGTCCAGGTTGGGAAGGCAGGCGTACTGGATCATGGGTGGGGGGCCACA[C>T]ATCAGCACCAGCGGCTCCTCCTCTGGGGGTGGAAGGTGGTCCCGGATCATCTCCTCATTC-3'
Protein context (NP_000389.1, residues 263-283): PPPEEEPLVL[Met273Ile]CGPPPMIQYA

ClinVar aggregate classification (germline): Uncertain significance (1 of 4 stars; one submission).

gnomAD v4.1: 1 of 1,607,066 alleles (0.000062%); highest among the groups gnomAD compares: South Asian, 0.0011%; no homozygotes.

Submission:

Mayo Clinic Laboratories, Mayo Clinic
Classification: Uncertain significance. Last evaluated: 2024-07-23. Review status: criteria provided, single submitter. Criteria: ACMG Guidelines, 2015. Collection method: clinical testing. Allele origin: germline. Observed: 1 variant allele.
Comment: PM2